The following is an entry in ClinVar:

ClinVar aggregate classification (germline): Uncertain significance (1 of 4 stars; one submission).

Conditions:
Developmental and epileptic encephalopathy, 30 (DEE30). Also called: Epileptic encephalopathy, early infantile, 30. Identifiers: MedGen C4225360, MONDO:0014595, OMIM 616341.

Submission:

Labcorp Genetics (formerly Invitae), Labcorp
Classification: Uncertain significance for Developmental and epileptic encephalopathy, 30. Last evaluated: 2022-08-10. Review status: criteria provided, single submitter. Criteria: Invitae Variant Classification Sherloc (09022015). Collection method: clinical testing. Allele origin: germline.
Comment: In summary, the available evidence is currently insufficient to determine the role of this variant in disease. Therefore, it has been classified as a Variant of Uncertain Significance. Variants that disrupt the consensus splice site are a relatively common cause of aberrant splicing (PMID: 17576681, 9536098). Algorithms developed to predict the effect of sequence changes on RNA splicing suggest that this variant may disrupt the consensus splice site. Algorithms developed to predict the effect of missense changes on protein structure and function are either unavailable or do not agree on the potential impact of this missense change (SIFT: "Deleterious"; PolyPhen-2: "Probably Damaging"; Align-GVGD: "Class C15"). ClinVar contains an entry for this variant (Variation ID: 641577). This variant has not been reported in the literature in individuals affected with SIK1-related conditions. This variant is not present in population databases (gnomAD no frequency). This sequence change replaces aspartic acid, which is acidic and polar, with asparagine, which is neutral and polar, at codon 250 of the SIK1 protein (p.Asp250Asn). This variant also falls at the last nucleotide of exon 7, which is part of the consensus splice site for this exon.

Literature cited by the submitters: PubMed 17576681; PubMed 9536098.

NM_173354.5(SIK1):c.748G>A (p.Asp250Asn)

Gene: SIK1 (salt inducible kinase 1; minus strand). Cytogenetic location: 21q22.3.
Variant type: single nucleotide variant.
Coding change: c.748G>A on transcript NM_173354.5 (MANE Select); coding-DNA position 748, G replaced by A.
Protein change: p.Asp250Asn; replaces aspartic acid 250 with asparagine.
Molecular consequence: missense variant.
Genome position (GRCh38, 1-based): chr21:43,421,010, C>T on the plus strand (G>A on the coding strand, the complement: SIK1 is on the minus strand). VCF-style: chr21-43421010-C-T. GRCh37 (hg19) VCF-style: chr21-44840890-C-T.
Other names: short protein forms D250N.
Identifiers: ClinVar variation 641577 (VCV000641577.9), dbSNP rs1601509582, ClinGen allele CA410609500.
Genomic context (GRCh38, chr21:43,421,010, plus strand): 5'-CAGCCACGAAGGGGCTGCAGGAGACACAGGCCCCTGCCCAGGCGAGACCACACGACTCAC[C>T]TTGAGACATGAAGAAGGGGATGCGGAAGCGGCCCTCCAGCACCCGCTGTCTCAGCGTCGG-3'
Protein context (NP_775490.2, residues 240-260): RFRIPFFMSQ[Asp250Asn]CESLIRRMLV